The following is an entry in ClinVar:

ClinVar aggregate classification (germline): Likely benign. Review status: criteria provided, multiple submitters, no conflicts (2 of 4 stars). 4 submissions from 4 submitters: Likely benign (4). Last evaluated 2026-06-01.

Conditions:
Intellectual developmental disorder, autosomal dominant 6, with or without seizures. Also called: GRIN2B-related developmental delay, intellectual disability and autism spectrum disorder; Intellectual disability, autosomal dominant 6. Identifiers: Orphanet 589547, MedGen C3151411, MONDO:0013509, OMIM 613970.
Developmental and epileptic encephalopathy, 27 (DEE27). Also called: GRIN2B-Related Neurodevelopmental Disorder; Epileptic encephalopathy, early infantile, 27. Identifiers: Orphanet 3451, MedGen C4015316, MONDO:0014505, OMIM 616139.

Allele frequency attached by ClinVar (database versions not stated): TOPMed 0.00004; gnomAD 0.00016.
gnomAD v4.1: 49 of 1,613,878 alleles (0.003%); highest among the groups gnomAD compares: African/African-American, 0.0053%; no homozygotes.

Submissions (4):

CeGaT Center for Human Genetics Tuebingen
Classification: Likely benign. Last evaluated: 2026-06-01. Review status: criteria provided, single submitter. Criteria: CeGaT Center For Human Genetics Tuebingen Variant Classification Criteria Version 2. Collection method: clinical testing. Allele origin: germline. Affected: yes. Observed: 5 variant alleles.
Comment: GRIN2B: BP4, BP7

Labcorp Genetics (formerly Invitae), Labcorp
Classification: Likely benign for Developmental and epileptic encephalopathy, 27; Intellectual developmental disorder, autosomal dominant 6, with or without seizures. Last evaluated: 2025-03-03. Review status: criteria provided, single submitter. Criteria: Invitae Variant Classification Sherloc (09022015). Collection method: clinical testing. Allele origin: germline.

Blueprint Genetics
Classification: Likely benign. Last evaluated: 2024-09-03. Review status: criteria provided, single submitter. Criteria: ACMG Guidelines, 2015. Collection method: clinical testing. Allele origin: germline.

GeneDx
Classification: Likely benign. Last evaluated: 2017-09-01. Review status: criteria provided, single submitter. Criteria: GeneDx Variant Classification (06012015). Collection method: clinical testing. Allele origin: germline. Affected: yes.
Comment: This variant is considered likely benign or benign based on one or more of the following criteria: it is a conservative change, it occurs at a poorly conserved position in the protein, it is predicted to be benign by multiple in silico algorithms, and/or has population frequency not consistent with disease.

NM_000834.5(GRIN2B):c.189C>T (p.Ser63=)

Gene: GRIN2B (glutamate ionotropic receptor NMDA type subunit 2B; minus strand). Cytogenetic location: 12p13.1.
Variant type: single nucleotide variant.
Coding change: c.189C>T on transcript NM_000834.5 (MANE Select); coding-DNA position 189, C replaced by T.
Protein change: p.Ser63=; no amino-acid change (serine 63 retained).
Molecular consequence: synonymous variant.
Genome position (GRCh38, 1-based): chr12:13,866,020, G>A on the plus strand (C>T on the coding strand, the complement: GRIN2B is on the minus strand). VCF-style: chr12-13866020-G-A. GRCh37 (hg19) VCF-style: chr12-14018954-G-A.
Identifiers: ClinVar variation 307753 (VCV000307753.51), dbSNP rs199707487, ClinGen allele CA6461447.
Genomic context (GRCh38, chr12:13,866,020, plus strand): 5'-GGTGATGATGCTCTTTGGGTCGGTCTCATTCATGGCTACCAGTTCCACCCGGGGTACCAC[G>A]GAGAGATGGTGGAAATCATCTTTCTCGTGGGCATCCTTGATGGCCACCTCGTCGGAAGTG-3'
Protein context (NP_000825.2, residues 53-73): AHEKDDFHHL[Ser63=]VVPRVELVAM